The following is an entry in ClinVar:

ClinVar aggregate classification (germline): Uncertain significance (1 of 4 stars; one submission).

Conditions:
Cardiovascular phenotype. Identifiers: MedGen CN230736.

gnomAD v4.1: 2 of 1,614,212 alleles (0.00012%); highest among the groups gnomAD compares: Non-Finnish European, 0.000085%; no homozygotes.

Submission:

Ambry Genetics
Classification: Uncertain significance for Cardiovascular phenotype. Last evaluated: 2018-07-16. Review status: criteria provided, single submitter. Criteria: Ambry Variant Classification Scheme 2023. Collection method: clinical testing. Allele origin: germline.
Comment: The p.S1293T variant (also known as c.3878G>C), located in coding exon 25 of the APOB gene, results from a G to C substitution at nucleotide position 3878. The serine at codon 1293 is replaced by threonine, an amino acid with similar properties. This amino acid position is not well conserved in available vertebrate species, and threonine is the reference amino acid in other vertebrate species. In addition, this alteration is predicted to be tolerated by in silico analysis. Since supporting evidence is limited at this time, the clinical significance of this alteration remains unclear.

NM_000384.3(APOB):c.3878G>C (p.Ser1293Thr)

Gene: APOB (apolipoprotein B; minus strand). Cytogenetic location: 2p24.1.
Variant type: single nucleotide variant.
Coding change: c.3878G>C on transcript NM_000384.3 (MANE Select); coding-DNA position 3878, G replaced by C.
Protein change: p.Ser1293Thr; replaces serine 1293 with threonine.
Molecular consequence: missense variant.
Genome position (GRCh38, 1-based): chr2:21,013,498, C>G on the plus strand (G>C on the coding strand, the complement: APOB is on the minus strand). VCF-style: chr2-21013498-C-G. GRCh37 (hg19) VCF-style: chr2-21236370-C-G.
Other names: short protein forms S1293T.
Identifiers: ClinVar variation 490393 (VCV000490393.7), dbSNP rs141443492, ClinGen allele CA346008083.